The following is an entry in ClinVar:

NM_022166.4(XYLT1):c.2026C>T (p.Arg676Ter)

Gene: XYLT1 (xylosyltransferase 1; minus strand). Cytogenetic location: 16p12.3.
Variant type: single nucleotide variant.
Coding change: c.2026C>T on transcript NM_022166.4 (MANE Select); coding-DNA position 2026, C replaced by T.
Protein change: p.Arg676Ter; replaces arginine 676 with a stop codon.
Molecular consequence: nonsense.
Genome position (GRCh38, 1-based): chr16:17,134,474, G>A on the plus strand (C>T on the coding strand, the complement: XYLT1 is on the minus strand). VCF-style: chr16-17134474-G-A. GRCh37 (hg19) VCF-style: chr16-17228331-G-A.
Other names: short protein forms R676*.
Identifiers: ClinVar variation 2137795 (VCV002137795.6), dbSNP rs1320125389, ClinGen allele CA395219308.
Genomic context (GRCh38, chr16:17,134,474, plus strand): 5'-ACCCTGAGCCTCCCCTCCTGCTTCTCAGCTCTCCTCTCTGCATCCCATATAGGGCTCACC[G>A]GCAGCTGTTCTCCCCATCCGTGTGCAGGGACGTCTCGGCCCGTCGAAGACCCAGGCGGGC-3'

ClinVar aggregate classification (germline): Pathogenic. Review status: criteria provided, multiple submitters, no conflicts (2 of 4 stars). 2 submissions from 2 submitters: Pathogenic (2). Last evaluated 2024-12-07.

Conditions:
Desbuquois dysplasia 1 (DBQD1). Also called: MICROMELIC DWARFISM WITH VERTEBRAL AND METAPHYSEAL ABNORMALITIES AND ADVANCED CARPOTARSAL OSSIFICATION; DESBUQUOIS DYSPLASIA 1, KIM VARIANT. Identifiers: Orphanet 1425, MedGen C4012146, MONDO:0009629, OMIM 251450.
Autosomal recessive inherited pseudoxanthoma elasticum (PXE). Identifiers: Orphanet 758, MedGen CN032334, MONDO:0009925, OMIM 264800.
Desbuquois dysplasia 2 (DBQD2). Also called: Baratela-Scott syndrome. Identifiers: Orphanet 1425, MedGen C4014294, MONDO:0014343, OMIM 615777.

Allele frequency attached by ClinVar (database versions not stated): gnomAD 0.00001; gnomAD exomes 0.00001.
gnomAD v4.1: 8 of 1,613,794 alleles (0.0005%); highest among the groups gnomAD compares: African/African-American, 0.0013%; no homozygotes.

Submissions (2):

Labcorp Genetics (formerly Invitae), Labcorp
Classification: Pathogenic for Desbuquois dysplasia 1. Last evaluated: 2024-12-07. Review status: criteria provided, single submitter. Criteria: Invitae Variant Classification Sherloc (09022015). Collection method: clinical testing. Allele origin: germline.
Comment: This sequence change creates a premature translational stop signal (p.Arg676*) in the XYLT1 gene. It is expected to result in an absent or disrupted protein product. Loss-of-function variants in XYLT1 are known to be pathogenic (PMID: 24581741, 26601923). This variant is present in population databases (no rsID available, gnomAD 0.01%). This premature translational stop signal has been observed in individual(s) with XYLT1-related conditions (PMID: 28229453). ClinVar contains an entry for this variant (Variation ID: 2137795). For these reasons, this variant has been classified as Pathogenic.

Juno Genomics, Hangzhou Juno Genomics, Inc
Classification: Pathogenic for Autosomal recessive inherited pseudoxanthoma elasticum; Desbuquois dysplasia 2. Review status: criteria provided, single submitter. Criteria: ACMG Guidelines, 2015. Collection method: clinical testing. Allele origin: germline.
Comment: Absent from controls (or at extremely low frequency if recessive) in Genome Aggregation Database.;Null variant in a gene where loss of function (LOF) is a known mechanism of disease.;For recessive disorders, detected in trans with a pathogenic variant.

Literature cited by the submitters: PubMed 24581741 (cited by Labcorp Genetics (formerly Invitae), Labcorp); PubMed 26601923 (cited by Labcorp Genetics (formerly Invitae), Labcorp); PubMed 28229453 (cited by Labcorp Genetics (formerly Invitae), Labcorp).